The following is an entry in ClinVar:

ClinVar aggregate classification (germline): Uncertain significance (1 of 4 stars; one submission).

Conditions:
Renal cell carcinoma. Identifiers: Orphanet 217071, MedGen C0007134, MeSH D002292, MONDO:0005086, HP:0005584.

Submission:

Labcorp Genetics (formerly Invitae), Labcorp
Classification: Uncertain significance for Renal cell carcinoma. Last evaluated: 2024-02-02. Review status: criteria provided, single submitter. Criteria: Invitae Variant Classification Sherloc (09022015). Collection method: clinical testing. Allele origin: germline.
Comment: This sequence change replaces threonine, which is neutral and polar, with isoleucine, which is neutral and non-polar, at codon 698 of the MET protein (p.Thr698Ile). This variant is not present in population databases (gnomAD no frequency). This variant has not been reported in the literature in individuals affected with MET-related conditions. Advanced modeling of protein sequence and biophysical properties (such as structural, functional, and spatial information, amino acid conservation, physicochemical variation, residue mobility, and thermodynamic stability) performed at Invitae indicates that this missense variant is not expected to disrupt MET protein function with a negative predictive value of 80%. In summary, the available evidence is currently insufficient to determine the role of this variant in disease. Therefore, it has been classified as a Variant of Uncertain Significance.

NM_000245.4(MET):c.2093C>T (p.Thr698Ile)

Gene: MET (MET proto-oncogene, receptor tyrosine kinase; plus strand). Cytogenetic location: 7q31.2.
Variant type: single nucleotide variant.
Coding change: c.2093C>T on transcript NM_000245.4 (MANE Select); coding-DNA position 2093, C replaced by T.
Protein change: p.Thr698Ile; replaces threonine 698 with isoleucine.
Molecular consequence: missense variant.
Genome position (GRCh38, 1-based): chr7:116,757,765, C>T. VCF-style: chr7-116757765-C-T. GRCh37 (hg19) VCF-style: chr7-116397819-C-T.
Other names: c.803C>T, p.Thr268Ile (NM_001324402.2); c.2093C>T, p.Thr698Ile (NM_001127500.3, NM_001324401.3); short protein forms T268I, T698I.
Identifiers: ClinVar variation 3638300 (VCV003638300.2).